The following is an entry in ClinVar:

ClinVar aggregate classification (germline): Uncertain significance (1 of 4 stars; one submission).

Conditions:
Hypertrophic cardiomyopathy. Also called: HYPERTROPHIC MYOCARDIOPATHY. Identifiers: Orphanet 217569, MedGen C0007194, MeSH D002312, MONDO:0005045, HP:0001639.

Submission:

Labcorp Genetics (formerly Invitae), Labcorp
Classification: Uncertain significance for Hypertrophic cardiomyopathy. Last evaluated: 2023-04-16. Review status: criteria provided, single submitter. Criteria: Invitae Variant Classification Sherloc (09022015). Collection method: clinical testing. Allele origin: germline.
Comment: In summary, the available evidence is currently insufficient to determine the role of this variant in disease. Therefore, it has been classified as a Variant of Uncertain Significance. This variant disrupts the p.Met8 amino acid residue in TPM1. Other variant(s) that disrupt this residue have been determined to be pathogenic (PMID: 22464770, 33020181). This suggests that this residue is clinically significant, and that variants that disrupt this residue are likely to be disease-causing. Experimental studies and prediction algorithms are not available or were not evaluated, and the functional significance of this variant is currently unknown. This variant has not been reported in the literature in individuals affected with TPM1-related conditions. Information on the frequency of this variant in the gnomAD database is not available, as this variant may be reported differently in the database. This variant, c.24_25delinsAA, is a complex sequence change that results in the deletion of 2 and insertion of 2 amino acid(s) in the TPM1 protein (p.Met8_Gln9delinsIleLys).

Literature cited by the submitters: PubMed 22464770; PubMed 33020181.

NM_001018005.2(TPM1):c.24_25delinsAA (p.Met8_Gln9delinsIleLys)

Gene: TPM1 (tropomyosin 1; plus strand). Cytogenetic location: 15q22.2.
Variant type: Indel.
Coding change: c.24_25delinsAA on transcript NM_001018005.2 (MANE Select); coding-DNA positions 24 to 25, GC replaced by AA.
Protein change: p.Met8_Gln9delinsIleLys.
Molecular consequence: missense variant. On other transcripts: non-coding transcript variant (11).
Genome position (GRCh38, 1-based): chr15:63,042,853-63,042,854, GC replaced by AA. VCF-style: chr15-63042853-GC-AA. GRCh37 (hg19) VCF-style: chr15-63335052-GC-AA.
Other names: c.24_25delinsAA, p.Met8_Gln9delinsIleLys (NM_000366.6, NM_001018004.2, NM_001018006.2 and 24 more transcripts).
Identifiers: ClinVar variation 2853533 (VCV002853533.3), dbSNP rs2542411909, ClinGen allele CA2739265825.